The following is an entry in ClinVar:

NM_172245.4(CSF2RA):c.347G>A (p.Arg116Lys)

Gene: CSF2RA (colony stimulating factor 2 receptor subunit alpha; plus strand). Cytogenetic location: Xp22.33.
Variant type: single nucleotide variant.
Coding change: c.347G>A on transcript NM_172245.4 (MANE Select); coding-DNA position 347, G replaced by A.
Protein change: p.Arg116Lys; replaces arginine 116 with lysine.
Molecular consequence: missense variant. On other transcripts: 5 prime UTR variant (1), non-coding transcript variant (1).
Genome position (GRCh38, 1-based): chrX:1,288,762, G>A. VCF-style: chrX-1288762-G-A. GRCh37 (hg19) VCF-style: chrX-1407655-G-A.
Other names: c.347G>A, p.Arg116Lys (NM_001161529.2, NM_001161530.2, NM_001161531.2 and 20 more transcripts); c.-53G>A (NM_001161532.2); short protein forms R116K.
Identifiers: ClinVar variation 861664 (VCV000861664.9), dbSNP rs1226419238, ClinGen allele CA412235191.

ClinVar aggregate classification (germline): Uncertain significance (1 of 4 stars; one submission).

Conditions:
Surfactant metabolism dysfunction, pulmonary, 4 (SMDP4). Also called: PULMONARY ALVEOLAR PROTEINOSIS, CONGENITAL, 4; PAP DUE TO CSF2RA DEFICIENCY; CSF2RA DEFICIENCY. Identifiers: Orphanet 264675, MedGen C2677877, MONDO:0010424, OMIM 300770.

Submission:

Labcorp Genetics (formerly Invitae), Labcorp
Classification: Uncertain significance for Surfactant metabolism dysfunction, pulmonary, 4. Last evaluated: 2023-10-27. Review status: criteria provided, single submitter. Criteria: Invitae Variant Classification Sherloc (09022015). Collection method: clinical testing. Allele origin: germline.
Comment: This sequence change replaces arginine, which is basic and polar, with lysine, which is basic and polar, at codon 116 of the CSF2RA protein (p.Arg116Lys). This variant is not present in population databases (gnomAD no frequency). This variant has not been reported in the literature in individuals affected with CSF2RA-related conditions. ClinVar contains an entry for this variant (Variation ID: 861664). Advanced modeling of protein sequence and biophysical properties (such as structural, functional, and spatial information, amino acid conservation, physicochemical variation, residue mobility, and thermodynamic stability) performed at Invitae indicates that this missense variant is not expected to disrupt CSF2RA protein function with a negative predictive value of 80%. In summary, the available evidence is currently insufficient to determine the role of this variant in disease. Therefore, it has been classified as a Variant of Uncertain Significance.